The following is an entry in ClinVar:

ClinVar aggregate classification (germline): Likely benign. Review status: criteria provided, multiple submitters, no conflicts (2 of 4 stars). 4 submissions from 4 submitters: Likely benign (3). 1 of the submissions does not count toward it. Last evaluated 2025-07-28.

Conditions:
RASopathy. Also called: rasopathies; Noonan spectrum disorder. Identifiers: Orphanet 536391, MedGen C5555857, MONDO:0021060.
CBL-related disorder. Also called: NOONAN SYNDROME-LIKE DISORDER WITHOUT JUVENILE MYELOMONOCYTIC LEUKEMIA; CBL MUTATION-ASSOCIATED SYNDROME; CBL SYNDROME. Identifiers: Orphanet 363972, MedGen C3150803, MONDO:0013308, OMIM 613563.
Cardiovascular phenotype. Identifiers: MedGen CN230736.

Allele frequency attached by ClinVar (database versions not stated): gnomAD exomes 0.00001; gnomAD 0.00003 and 0.00004; TOPMed 0.00003; ESP Exome Variant Server 0.00008.
gnomAD v4.1: 31 of 1,614,020 alleles (0.0019%); highest among the groups gnomAD compares: Non-Finnish European, 0.0026%; no homozygotes.

Submissions (4):

Women's Health and Genetics/Laboratory Corporation of America, LabCorp
Classification: Likely benign. Last evaluated: 2025-07-28. Review status: criteria provided, single submitter. Criteria: LabCorp Variant Classification Summary - May 2015. Collection method: clinical testing. Allele origin: germline.

Labcorp Genetics (formerly Invitae), Labcorp
Classification: Likely benign for RASopathy. Last evaluated: 2025-07-20. Review status: criteria provided, single submitter. Criteria: Invitae Variant Classification Sherloc (09022015). Collection method: clinical testing. Allele origin: germline.

Ambry Genetics
Classification: Likely benign for Cardiovascular phenotype. Last evaluated: 2020-05-28. Review status: criteria provided, single submitter. Criteria: Ambry Variant Classification Scheme 2023. Collection method: clinical testing. Allele origin: germline.

PreventionGenetics, part of Exact Sciences
Classification: Likely benign for CBL-related condition. Last evaluated: 2023-12-17. Review status: no assertion criteria provided. Collection method: clinical testing. Allele origin: germline. Not counted in ClinVar's aggregate classification.
Comment: This variant is classified as likely benign based on ACMG/AMP sequence variant interpretation guidelines (Richards et al. 2015 PMID: 25741868, with internal and published modifications).

NM_005188.4(CBL):c.837T>C (p.Ala279=)

Gene: CBL (Cbl proto-oncogene; plus strand). Cytogenetic location: 11q23.3.
Variant type: single nucleotide variant.
Coding change: c.837T>C on transcript NM_005188.4 (MANE Select); coding-DNA position 837, T replaced by C.
Protein change: p.Ala279=; no amino-acid change (alanine 279 retained).
Molecular consequence: synonymous variant.
Genome position (GRCh38, 1-based): chr11:119,274,921, T>C. VCF-style: chr11-119274921-T-C. GRCh37 (hg19) VCF-style: chr11-119145631-T-C.
Other names: c.837T>C (NM_005188.3).
Identifiers: ClinVar variation 1616980 (VCV001616980.13), dbSNP rs140250592, ClinGen allele CA229660506.